The following is an entry in ClinVar:

NM_003072.5(SMARCA4):c.1000G>T (p.Gly334Trp)

Gene: SMARCA4 (SWI/SNF related BAF chromatin remodeling complex subunit ATPase 4; plus strand). Cytogenetic location: 19p13.2.
Variant type: single nucleotide variant.
Coding change: c.1000G>T on transcript NM_003072.5 (MANE Select); coding-DNA position 1000, G replaced by T.
Protein change: p.Gly334Trp; replaces glycine 334 with tryptophan.
Molecular consequence: missense variant. On other transcripts: non-coding transcript variant (1).
Genome position (GRCh38, 1-based): chr19:10,987,806, G>T. VCF-style: chr19-10987806-G-T. GRCh37 (hg19) VCF-style: chr19-11098482-G-T.
Other names: c.1000G>T, p.Gly334Trp (NM_001128844.3, NM_001128845.2, NM_001128846.2 and 4 more transcripts); short protein forms G334W.
Identifiers: ClinVar variation 853377 (VCV000853377.10), dbSNP rs1364450672, ClinGen allele CA404058610.

ClinVar aggregate classification (germline): Uncertain significance. Review status: criteria provided, multiple submitters, no conflicts (2 of 4 stars). 2 submissions from 2 submitters: Uncertain significance (2). Last evaluated 2024-02-22.

Conditions:
Rhabdoid tumor predisposition syndrome 2 (RTPS2). Identifiers: Orphanet 231108, Orphanet 69077, MedGen C2750074, MONDO:0013224, OMIM 613325.
Hereditary cancer-predisposing syndrome. Also called: Neoplastic Syndromes, Hereditary; Hereditary Cancer Syndrome; Tumor predisposition; Hereditary neoplastic syndrome. Identifiers: Orphanet 140162, MedGen C0027672, MeSH D009386, MONDO:0015356.

Submissions (2):

Ambry Genetics
Classification: Uncertain significance for Hereditary cancer-predisposing syndrome. Last evaluated: 2024-02-22. Review status: criteria provided, single submitter. Criteria: Ambry Variant Classification Scheme 2023. Collection method: clinical testing. Allele origin: germline.
Comment: The p.G334W variant (also known as c.1000G>T), located in coding exon 5 of the SMARCA4 gene, results from a G to T substitution at nucleotide position 1000. The glycine at codon 334 is replaced by tryptophan, an amino acid with highly dissimilar properties. This amino acid position is highly conserved in available vertebrate species. In addition, the in silico prediction for this alteration is inconclusive. Based on the available evidence, the clinical significance of this alteration remains unclear.

Labcorp Genetics (formerly Invitae), Labcorp
Classification: Uncertain significance for Rhabdoid tumor predisposition syndrome 2. Last evaluated: 2019-03-22. Review status: criteria provided, single submitter. Criteria: Invitae Variant Classification Sherloc (09022015). Collection method: clinical testing. Allele origin: germline.
Comment: This variant has not been reported in the literature in individuals with SMARCA4-related conditions. This variant is not present in population databases (ExAC no frequency). This sequence change replaces glycine with tryptophan at codon 334 of the SMARCA4 protein (p.Gly334Trp). The glycine residue is highly conserved and there is a large physicochemical difference between glycine and tryptophan. In summary, the available evidence is currently insufficient to determine the role of this variant in disease. Therefore, it has been classified as a Variant of Uncertain Significance. Algorithms developed to predict the effect of missense changes on protein structure and function (SIFT, PolyPhen-2, Align-GVGD) all suggest that this variant is likely to be disruptive, but these predictions have not been confirmed by published functional studies and their clinical significance is uncertain.